The following is an entry in ClinVar:

NM_001458.5(FLNC):c.4939G>A (p.Gly1647Ser)

Gene: FLNC (filamin C; plus strand). Cytogenetic location: 7q32.1.
Variant type: single nucleotide variant.
Coding change: c.4939G>A on transcript NM_001458.5 (MANE Select); coding-DNA position 4939, G replaced by A.
Protein change: p.Gly1647Ser; replaces glycine 1647 with serine.
Molecular consequence: missense variant.
Genome position (GRCh38, 1-based): chr7:128,849,192, G>A. VCF-style: chr7-128849192-G-A. GRCh37 (hg19) VCF-style: chr7-128489246-G-A.
Other names: c.4939G>A, p.Gly1647Ser (NM_001127487.2); short protein forms G1647S.
Identifiers: ClinVar variation 1483731 (VCV001483731.5), dbSNP rs748563858, ClinGen allele CA4475506.

ClinVar aggregate classification (germline): Uncertain significance (1 of 4 stars; one submission).

Conditions:
Myofibrillar myopathy 5. Also called: FILAMINOPATHY, AUTOSOMAL DOMINANT; Filaminopathy (type). Identifiers: Orphanet 171445, MedGen C1836050, MONDO:0012289, OMIM 609524.
Distal myopathy with posterior leg and anterior hand involvement. Also called: WILLIAMS DISTAL MYOPATHY. Identifiers: Orphanet 63273, MedGen C3279722, MONDO:0013550, OMIM 614065.
Hypertrophic cardiomyopathy 26. Also called: Cardiomyopathy, familial hypertrophic, 26. Identifiers: Orphanet 75249, MedGen C4310749, MONDO:0014883, OMIM 617047.
Dilated Cardiomyopathy, Dominant.

Allele frequency attached by ClinVar (database versions not stated): gnomAD exomes below 0.00001; ExAC 0.00001.

Submission:

Labcorp Genetics (formerly Invitae), Labcorp
Classification: Uncertain significance for Distal myopathy with posterior leg and anterior hand involvement; Myofibrillar myopathy 5; Hypertrophic cardiomyopathy 26. Last evaluated: 2021-08-26. Review status: criteria provided, single submitter. Criteria: Invitae Variant Classification Sherloc (09022015). Collection method: clinical testing. Allele origin: germline.
Comment: This sequence change replaces glycine with serine at codon 1647 of the FLNC protein (p.Gly1647Ser). The glycine residue is moderately conserved and there is a small physicochemical difference between glycine and serine. This variant is present in population databases (rs748563858, ExAC 0.006%). This variant has not been reported in the literature in individuals affected with FLNC-related conditions. Algorithms developed to predict the effect of missense changes on protein structure and function are either unavailable or do not agree on the potential impact of this missense change (SIFT: "Deleterious"; PolyPhen-2: "Probably Damaging"; Align-GVGD: "Class C0"). Algorithms developed to predict the effect of sequence changes on RNA splicing suggest that this variant may create or strengthen a splice site. In summary, the available evidence is currently insufficient to determine the role of this variant in disease. Therefore, it has been classified as a Variant of Uncertain Significance.